The following is an entry in ClinVar:

ClinVar aggregate classification (germline): Uncertain significance (1 of 4 stars; one submission).

gnomAD v4.1: 12 of 1,604,996 alleles (0.00075%); highest among the groups gnomAD compares: African/African-American, 0.015%; no homozygotes.

Submission:

Labcorp Genetics (formerly Invitae), Labcorp
Classification: Uncertain significance. Last evaluated: 2025-03-09. Review status: criteria provided, single submitter. Criteria: Invitae Variant Classification Sherloc (09022015). Collection method: clinical testing. Allele origin: germline.
Comment: This sequence change replaces asparagine, which is neutral and polar, with threonine, which is neutral and polar, at codon 1027 of the ANLN protein (p.Asn1027Thr). This variant is present in population databases (rs375919058, gnomAD 0.008%). This variant has not been reported in the literature in individuals affected with ANLN-related conditions. An algorithm developed to predict the effect of missense changes on protein structure and function outputs the following: PolyPhen-2: "Benign". The threonine amino acid residue is found in multiple mammalian species, which suggests that this missense change does not adversely affect protein function. In summary, the available evidence is currently insufficient to determine the role of this variant in disease. Therefore, it has been classified as a Variant of Uncertain Significance.

NM_018685.5(ANLN):c.3080A>C (p.Asn1027Thr)

Gene: ANLN (anillin, actin binding protein; plus strand). Cytogenetic location: 7p14.2.
Variant type: single nucleotide variant.
Coding change: c.3080A>C on transcript NM_018685.5 (MANE Select); coding-DNA position 3080, A replaced by C.
Protein change: p.Asn1027Thr; replaces asparagine 1027 with threonine.
Molecular consequence: missense variant.
Genome position (GRCh38, 1-based): chr7:36,449,666, A>C. VCF-style: chr7-36449666-A-C. GRCh37 (hg19) VCF-style: chr7-36489275-A-C.
Other names: c.2969A>C, p.Asn990Thr (NM_001284301.3); c.2966A>C, p.Asn989Thr (NM_001284302.3); short protein forms N1027T, N989T, N990T.
Identifiers: ClinVar variation 4810814 (VCV004810814.1).